The following is an entry in ClinVar:

ClinVar aggregate classification (germline): Conflicting classifications of pathogenicity. Review status: criteria provided, conflicting classifications (1 of 4 stars). 4 submissions from 4 submitters: Uncertain significance (2); Likely benign (1). 1 of the submissions does not count toward it. Last evaluated 2026-01-28.

Conditions:
Epidermolysis bullosa dystrophica inversa, autosomal recessive. Identifiers: MedGen C2673612.
Epidermolysis bullosa dystrophica. Also called: Dystrophic epidermolysis bullosa, Hallopeau-Siemens type (formerly); Dystrophic epidermolysis bullosa. Identifiers: Orphanet 303, MedGen C0079294, MONDO:0006543.

Allele frequency attached by ClinVar (database versions not stated): TOPMed 0.00019; gnomAD exomes 0.00023 and 0.00024; gnomAD 0.00025 and 0.00026; ExAC 0.00026; ESP Exome Variant Server 0.00038.
gnomAD v4.1: 369 of 1,613,798 alleles (0.023%); highest among the groups gnomAD compares: Non-Finnish European, 0.028%; no homozygotes.

Submissions (4):

Labcorp Genetics (formerly Invitae), Labcorp
Classification: Likely benign. Last evaluated: 2026-01-28. Review status: criteria provided, single submitter. Criteria: Invitae Variant Classification Sherloc (09022015). Collection method: clinical testing. Allele origin: germline.

GeneDx
Classification: Uncertain significance. Last evaluated: 2022-06-17. Review status: criteria provided, single submitter. Criteria: GeneDx Variant Classification Process June 2021. Collection method: clinical testing. Allele origin: germline. Affected: yes.
Comment: Observed in a patient with Chiari Malformation Type 1 in the published literature, but no other clinical information was provided (Urbizu et al., 2021); In silico analysis supports that this missense variant does not alter protein structure/function; Occurs in the triple helical domain at the X position in the canonical Gly-X-Y repeat. Although this variant may have an effect on normal protein folding and function, missense substitution at the X position is not a common mechanism of disease.; This variant is associated with the following publications: (PMID: 33974636)

Illumina Laboratory Services, Illumina
Classification: Uncertain significance for Dystrophic epidermolysis bullosa. Last evaluated: 2018-01-12. Review status: criteria provided, single submitter. Criteria: ICSL Variant Classification Criteria 13 December 2019. Collection method: clinical testing. Allele origin: germline.

Natera, Inc.
Classification: Uncertain significance for Autosomal recessive epidermolysis bullosa dystrophica inversa. Last evaluated: 2020-08-31. Review status: no assertion criteria provided. Collection method: clinical testing. Allele origin: germline. Not counted in ClinVar's aggregate classification.

NM_000094.4(COL7A1):c.7124T>A (p.Val2375Asp)

Gene: COL7A1 (collagen type VII alpha 1 chain; minus strand). Cytogenetic location: 3p21.31.
Variant type: single nucleotide variant.
Coding change: c.7124T>A on transcript NM_000094.4 (MANE Select); coding-DNA position 7124, T replaced by A.
Protein change: p.Val2375Asp; replaces valine 2375 with aspartic acid.
Molecular consequence: missense variant.
Genome position (GRCh38, 1-based): chr3:48,571,141, A>T on the plus strand (T>A on the coding strand, the complement: COL7A1 is on the minus strand). VCF-style: chr3-48571141-A-T. GRCh37 (hg19) VCF-style: chr3-48608574-A-T.
Other names: short protein forms V2375D.
Identifiers: ClinVar variation 902325 (VCV000902325.13), dbSNP rs142059751, ClinGen allele CA2378639.